The following is an entry in ClinVar:

ClinVar aggregate classification (germline): Conflicting classifications of pathogenicity. Review status: criteria provided, conflicting classifications (1 of 4 stars). 2 submissions from 2 submitters: Likely pathogenic (1); Uncertain significance (1). Last evaluated 2025-11-05.

Conditions:
Hereditary cancer-predisposing syndrome. Also called: Hereditary Cancer Syndrome; Neoplastic Syndromes, Hereditary; Tumor predisposition; Hereditary neoplastic syndrome. Identifiers: Orphanet 140162, MedGen C0027672, MeSH D009386, MONDO:0015356.
Familial thoracic aortic aneurysm and aortic dissection (TAAD). Also called: Thoracic aortic aneurysms and dissections. Identifiers: Orphanet 91387, MedGen C4707243, MONDO:0019625.
Juvenile polyposis syndrome (JPS). Identifiers: Orphanet 2929, MedGen C0345893, MONDO:0017380, OMIM 174900.

Submissions (2):

Labcorp Genetics (formerly Invitae), Labcorp
Classification: Likely pathogenic for Juvenile polyposis syndrome. Last evaluated: 2025-11-05. Review status: criteria provided, single submitter. Criteria: Invitae Variant Classification Sherloc (09022015). Collection method: clinical testing. Allele origin: germline.
Comment: This sequence change affects an acceptor splice site in intron 7 of the SMAD4 gene. It is expected to disrupt RNA splicing. Variants that disrupt the donor or acceptor splice site typically lead to a loss of protein function (PMID: 16199547), and loss-of-function variants in SMAD4 are known to be pathogenic (PMID: 16152648, 16436638, 22810475). This variant is not present in population databases (gnomAD no frequency). This variant has not been reported in the literature in individuals affected with SMAD4-related conditions. ClinVar contains an entry for this variant (Variation ID: 1345775). Studies have shown that disruption of this splice site is associated with altered splicing resulting in multiple RNA products (internal data). In summary, the currently available evidence indicates that the variant is pathogenic, but additional data are needed to prove that conclusively. Therefore, this variant has been classified as Likely Pathogenic.

Ambry Genetics
Classification: Uncertain significance for Hereditary cancer-predisposing syndrome; Familial thoracic aortic aneurysm and aortic dissection. Last evaluated: 2024-10-30. Review status: criteria provided, single submitter. Criteria: Ambry Variant Classification Scheme 2023. Collection method: clinical testing. Allele origin: germline.
Comment: The c.905-1G>T intronic variant results from a G to T substitution one nucleotide upstream from coding exon 7 of the SMAD4 gene. Alterations that disrupt the canonical splice site are expected to result in aberrant splicing. In silico splice site analysis predicts that this alteration will weaken the native splice acceptor site and may result in the creation or strengthening of a novel splice acceptor site. The resulting transcript is predicted to be in-frame skipping of coding exon 7 and is not expected to trigger nonsense-mediated mRNAdecay. RNA studies have demonstrated that this alteration results in a transcript predicted to lead to a protein with an in-frame deletion of seventeen amino acids; however, the exact functional impact of the deleted amino acids is unknown at this time (Ambry internal data). The exact functional effect of the altered amino acid sequence is unknown. This nucleotide position is highly conserved in available vertebrate species. Based on the available evidence, the clinical significance of this variant remains unclear.

Literature cited by the submitters: PubMed 16199547 (cited by Labcorp Genetics (formerly Invitae), Labcorp); PubMed 16152648 (cited by Labcorp Genetics (formerly Invitae), Labcorp); PubMed 16436638 (cited by Labcorp Genetics (formerly Invitae), Labcorp); PubMed 22810475 (cited by Labcorp Genetics (formerly Invitae), Labcorp).

NM_005359.6(SMAD4):c.905-1G>T

Gene: SMAD4 (SMAD family member 4; plus strand). Cytogenetic location: 18q21.2.
Variant type: single nucleotide variant.
Coding change: c.905-1G>T on transcript NM_005359.6 (MANE Select); the canonical splice acceptor site of the intron before coding-DNA position 905, G replaced by T.
Molecular consequence: splice acceptor variant.
Genome position (GRCh38, 1-based): chr18:51,059,865, G>T. VCF-style: chr18-51059865-G-T. GRCh37 (hg19) VCF-style: chr18-48586235-G-T.
Other names: c.905-1G>T (NM_005359.5, NM_001407042.1, NM_001407041.1 and 1 more transcripts).
Identifiers: ClinVar variation 1345775 (VCV001345775.7), dbSNP rs1555686070, ClinGen allele CA402463632.
Genomic context (GRCh38, chr18:51,059,865, plus strand): 5'-AGTTTTAGCATTAGACAACTTTTAGTAAATAAAAATGGAATTTTTGTTGTCTTTTCTTTA[G>T]GGCCTGTTCACAATGAGCTTGCATTCCAGCCTCCCATTTCCAATCATCCTGGTAAGTGTA-3'